The following is an entry in ClinVar:

NM_213595.4(ISCU):c.418+184A>G

Gene: ISCU (iron-sulfur cluster assembly enzyme; plus strand). Cytogenetic location: 12q23.3.
Variant type: single nucleotide variant.
Coding change: c.418+184A>G on transcript NM_213595.4 (MANE Select); 184 bases into the intron after coding-DNA position 418, A replaced by G.
Molecular consequence: intron variant.
Genome position (GRCh38, 1-based): chr12:108,567,452, A>G. VCF-style: chr12-108567452-A-G. GRCh37 (hg19) VCF-style: chr12-108961228-A-G.
Other names: c.343+184A>G (NM_014301.4); c.418+184A>G (NM_001320042.1, NM_001301140.1, NM_001301141.1).
Identifiers: ClinVar variation 672371 (VCV000672371.2), dbSNP rs876161, ClinGen allele CA13778149.

ClinVar aggregate classification (germline): Benign. Review status: criteria provided, multiple submitters, no conflicts (2 of 4 stars). 2 submissions from 2 submitters: Benign (2). Last evaluated 2018-06-14.

Allele frequency attached by ClinVar (database versions not stated): gnomAD 0.07830 and 0.08322; TOPMed 0.07857; 1000 Genomes Project 30x 0.10212; 1000 Genomes Project 0.10323; gnomAD exomes 0.10974.
gnomAD v4.1: 75,490 of 726,358 alleles (10%); highest among the groups gnomAD compares: South Asian, 23%; 4,867 homozygotes.

Submissions (2):

GeneDx
Classification: Benign. Last evaluated: 2018-06-14. Review status: criteria provided, single submitter. Criteria: GeneDx Variant Classification (06012015). Collection method: clinical testing. Allele origin: germline. Affected: yes.
Comment: This variant is considered likely benign or benign based on one or more of the following criteria: it is a conservative change, it occurs at a poorly conserved position in the protein, it is predicted to be benign by multiple in silico algorithms, and/or has population frequency not consistent with disease.

Breakthrough Genomics
Classification: Benign. Review status: criteria provided, single submitter. Criteria: ACMG Guidelines, 2015. Collection method: not provided. Allele origin: germline. Inheritance: Autosomal recessive inheritance. Affected: yes.